The following is an entry in ClinVar:

NM_001354604.2(MITF):c.1506A>T (p.Ser502=)

Gene: MITF (melanocyte inducing transcription factor; plus strand). Cytogenetic location: 3p13.
Variant type: single nucleotide variant.
Coding change: c.1506A>T on transcript NM_001354604.2 (MANE Select); coding-DNA position 1506, A replaced by T.
Protein change: p.Ser502=; no amino-acid change (serine 502 retained).
Molecular consequence: synonymous variant.
Genome position (GRCh38, 1-based): chr3:69,965,173, A>T. VCF-style: chr3-69965173-A-T. GRCh37 (hg19) VCF-style: chr3-70014324-A-T.
Other names: c.1185A>T, p.Ser395= (NM_000248.4); c.1332A>T, p.Ser444= (NM_001184967.2, NM_001354608.2); c.1503A>T, p.Ser501= (NM_001354605.2); c.1485A>T, p.Ser495= (NM_001354606.2, NM_006722.3); c.1437A>T, p.Ser479= (NM_001354607.2); c.1167A>T, p.Ser389= (NM_198158.3); c.1488A>T, p.Ser496= (NM_198159.3); c.1440A>T, p.Ser480= (NM_198177.3); and 1 more.
Identifiers: ClinVar variation 3032141 (VCV003032141.2), dbSNP rs2066658662, ClinGen allele CA434433844.

ClinVar aggregate classification (germline): Likely benign (0 of 4 stars; one submission).

Conditions:
MITF-related disorder. Also called: MITF-related condition.

Submission:

PreventionGenetics, part of Exact Sciences
Classification: Likely benign for MITF-related condition. Last evaluated: 2020-08-19. Review status: no assertion criteria provided. Collection method: clinical testing. Allele origin: germline.
Comment: This variant is classified as likely benign based on ACMG/AMP sequence variant interpretation guidelines (Richards et al. 2015 PMID: 25741868, with internal and published modifications).